The following is an entry in ClinVar:

ClinVar aggregate classification (germline): Likely benign (1 of 4 stars; one submission).

gnomAD v4.1: 1 of 1,614,054 alleles (0.000062%); highest among the groups gnomAD compares: Non-Finnish European, 0.000085%; no homozygotes.

Submission:

CeGaT Center for Human Genetics Tuebingen
Classification: Likely benign. Last evaluated: 2026-07-01. Review status: criteria provided, single submitter. Criteria: CeGaT Center For Human Genetics Tuebingen Variant Classification Criteria Version 2. Collection method: clinical testing. Allele origin: germline. Affected: yes. Observed: 2 variant alleles.
Comment: UBE2T: BP4, BP7

NM_014176.4(UBE2T):c.204C>T (p.Ile68=)

Gene: UBE2T (ubiquitin conjugating enzyme E2 T; minus strand). Cytogenetic location: 1q32.1.
Variant type: single nucleotide variant.
Coding change: c.204C>T on transcript NM_014176.4 (MANE Select); coding-DNA position 204, C replaced by T.
Protein change: p.Ile68=; no amino-acid change (isoleucine 68 retained).
Molecular consequence: synonymous variant.
Genome position (GRCh38, 1-based): chr1:202,333,531, G>A on the plus strand (C>T on the coding strand, the complement: UBE2T is on the minus strand). VCF-style: chr1-202333531-G-A. GRCh37 (hg19) VCF-style: chr1-202302659-G-A.
Other names: c.114C>T, p.Ile38= (NM_001310326.2).
Identifiers: ClinVar variation 4534584 (VCV004534584.6).